The following is an entry in ClinVar:

NM_002047.4(GARS1):c.979G>A (p.Gly327Arg)

Gene: GARS1 (glycyl-tRNA synthetase 1; plus strand). Cytogenetic location: 7p14.3.
Variant type: single nucleotide variant.
Coding change: c.979G>A on transcript NM_002047.4 (MANE Select); coding-DNA position 979, G replaced by A.
Protein change: p.Gly327Arg; replaces glycine 327 with arginine.
Molecular consequence: missense variant.
Genome position (GRCh38, 1-based): chr7:30,612,193, G>A. VCF-style: chr7-30612193-G-A. GRCh37 (hg19) VCF-style: chr7-30651809-G-A.
Other names: c.817G>A, p.Gly273Arg (NM_001316772.1); c.979G>A (LRG_243t1); short protein forms G273R, G327R.
Identifiers: ClinVar variation 661670 (VCV000661670.12), dbSNP rs1584034430, ClinGen allele CA367125157.

ClinVar aggregate classification (germline): Pathogenic. Review status: criteria provided, multiple submitters, no conflicts (2 of 4 stars). 3 submissions from 3 submitters: Pathogenic (3). Last evaluated 2024-03-03.

Conditions:
Charcot-Marie-Tooth disease type 2D (CMT2D). Also called: Charcot-Marie-Tooth Neuropathy Type 2D; CHARCOT-MARIE-TOOTH DISEASE, AXONAL, TYPE 2D; CHARCOT-MARIE-TOOTH DISEASE, NEURONAL, TYPE 2D; GARS1 Adolescent- or Early Adult-Onset Hereditary Motor/Sensory Neuropathy (GARS1-HMSN). Identifiers: Orphanet 99938, MedGen C1832274, MONDO:0011091, OMIM 601472.
Charcot-Marie-Tooth disease type 2. Also called: Charcot-Marie-Tooth type 2. Identifiers: Orphanet 64746, MedGen C0270914, MONDO:0018993.
Neuronopathy, distal hereditary motor, type 5A (HMND5). Also called: Distal Spinal Muscular Atrophy V; DHMN VA; Distal Spinal Muscular Atrophy V (dSMA-V); NEURONOPATHY, DISTAL HEREDITARY MOTOR, AUTOSOMAL DOMINANT 5. Identifiers: Orphanet 139536, MedGen CN031873, MONDO:0015353, OMIM 600794.

Submissions (3):

3billion
Classification: Pathogenic for Charcot-Marie-Tooth disease type 2D. Last evaluated: 2024-03-03. Review status: criteria provided, single submitter. Criteria: ACMG Guidelines, 2015. Collection method: clinical testing. Allele origin: germline. Affected: yes.
Comment: The variant is not observed in the gnomAD v2.1.1 dataset. Predicted Consequence/Location: Missense changes are a common disease-causing mechanism. In silico tool predictions suggest damaging effect of the variant on gene or gene product [REVEL: 0.89 (>=0.6, sensitivity 0.68 and specificity 0.92); 3Cnet: 0.96 (>=0.6, sensitivity 0.72 and precision 0.9)]. Same nucleotide change resulting in same amino acid change has been previously reported as pathogenic/likely pathogenic with strong evidence (ClinVar ID: VCV000661670 /PMID: 26392352). The variant has been previously reported as assumed (i.e. paternity and maternity not confirmed) de novo in at least one similarly affected unrelated individual (PMID: 31985473). Therefore, this variant is classified as Pathogenic according to the recommendation of ACMG/AMP guideline.

Labcorp Genetics (formerly Invitae), Labcorp
Classification: Pathogenic for Charcot-Marie-Tooth disease type 2. Last evaluated: 2022-04-25. Review status: criteria provided, single submitter. Criteria: Invitae Variant Classification Sherloc (09022015). Collection method: clinical testing. Allele origin: germline.
Comment: For these reasons, this variant has been classified as Pathogenic. Algorithms developed to predict the effect of sequence changes on RNA splicing suggest that this variant may create or strengthen a splice site. Experimental studies have shown that this missense change affects GARS function (PMID: 31628756). Algorithms developed to predict the effect of missense changes on protein structure and function (SIFT, PolyPhen-2, Align-GVGD) all suggest that this variant is likely to be disruptive. ClinVar contains an entry for this variant (Variation ID: 661670). This missense change has been observed in individual(s) with hereditary motor neuropathy (PMID: 26392352, 31628756, 31985473; Invitae). In at least one individual the variant was observed to be de novo. This variant is not present in population databases (gnomAD no frequency). This sequence change replaces glycine, which is neutral and non-polar, with arginine, which is basic and polar, at codon 327 of the GARS protein (p.Gly327Arg).

Neuberg Centre For Genomic Medicine, NCGM
Classification: Pathogenic for Neuronopathy, distal hereditary motor, type 5A. Review status: criteria provided, single submitter. Criteria: ACMG Guidelines, 2015. Collection method: clinical testing. Allele origin: germline. Affected: yes.
Comment: The missense variant p.G327R in GARS1 (NM_002047.4) has been been reported previously in two unrelated patients hereditary motor neuropathy. Functional studies suggest a damaging effect (Lee DC et al, 2020). The variant has been submitted to ClinVar as Uncertain significance. The p.G327R variant is novel (not in any individuals) in gnomAD Exomes and is novel (not in any individuals) in 1000 Genomes. The p.G327R missense variant is predicted to be damaging by both SIFT and PolyPhen2. The glycine residue at codon 327 of GARS1 is conserved in all mammalian species. The nucleotide c.979 in GARS1 is predicted conserved by GERP++ and PhyloP across 100 vertebrates. For these reasons, this variant has been classified as Pathogenic

Literature cited by the submitters: PubMed 26392352 (cited by 3billion and Labcorp Genetics (formerly Invitae), Labcorp); PubMed 31985473 (cited by 3billion and Labcorp Genetics (formerly Invitae), Labcorp); PubMed 31628756 (cited by Labcorp Genetics (formerly Invitae), Labcorp).